The following is an entry in ClinVar:

NM_005732.4(RAD50):c.3810_3840dup (p.Glu1281Ter)

Genes: RAD50 (RAD50 double strand break repair protein; plus strand), TH2LCRR (T helper type 2 locus control region associated RNA; minus strand). Cytogenetic location: 5q31.1.
Variant type: Duplication.
Coding change: c.3810_3840dup on transcript NM_005732.4 (MANE Select); coding-DNA positions 3810 to 3840, 31 bases duplicated.
Protein change: p.Glu1281Ter; replaces glutamic acid 1281 with a stop codon.
Molecular consequence: nonsense. On other transcripts: non-coding transcript variant (1).
Genome position (GRCh38, 1-based): chr5:132,642,235-132,642,265, 31 bases duplicated. GRCh37 (hg19): chr5:131,977,927-131,977,957.
Other names: short protein forms E1281*.
Identifiers: ClinVar variation 2755058 (VCV002755058.3), dbSNP rs2479440154, ClinGen allele CA2697546491.

ClinVar aggregate classification (germline): Uncertain significance (1 of 4 stars; one submission).

Conditions:
Hereditary cancer-predisposing syndrome. Also called: Neoplastic Syndromes, Hereditary; Hereditary Cancer Syndrome; Tumor predisposition; Hereditary neoplastic syndrome. Identifiers: Orphanet 140162, MedGen C0027672, MeSH D009386, MONDO:0015356.

Submission:

Labcorp Genetics (formerly Invitae), Labcorp
Classification: Uncertain significance for Hereditary cancer-predisposing syndrome. Last evaluated: 2023-08-25. Review status: criteria provided, single submitter. Criteria: Invitae Variant Classification Sherloc (09022015). Collection method: clinical testing. Allele origin: germline.
Comment: This sequence change creates a premature translational stop signal (p.Glu1281*) in the RAD50 gene. While this is not anticipated to result in nonsense mediated decay, it is expected to disrupt the last 32 amino acid(s) of the RAD50 protein. In summary, the available evidence is currently insufficient to determine the role of this variant in disease. Therefore, it has been classified as a Variant of Uncertain Significance. Experimental studies and prediction algorithms are not available or were not evaluated, and the functional significance of this variant is currently unknown. This variant has not been reported in the literature in individuals affected with RAD50-related conditions. This variant is not present in population databases (gnomAD no frequency).